The following is an entry in ClinVar:

Single allele

Gene: TSC2 (TSC complex subunit 2; plus strand). Cytogenetic location: 16p13.3.
Variant type: Deletion.
Identifiers: ClinVar variation 3571881 (VCV003571881.1).

ClinVar aggregate classification (germline): Pathogenic (1 of 4 stars; one submission).

Submission:

Athena Diagnostics
Classification: Pathogenic. Last evaluated: 2024-01-30. Review status: criteria provided, single submitter. Criteria: Athena Diagnostics Criteria. Collection method: clinical testing. Allele origin: unknown.
Comment: This variant is expected to result in the loss of a functional protein. This variant has not been reported in large, multi-ethnic general populations. A similar deletion of exons 16-29 has been reported in at least one individual with clinical features associated with this gene.

Literature cited by the submitters: PubMed 11281455; PubMed 25782670.